The following is an entry in ClinVar:

ClinVar aggregate classification (germline): Uncertain significance (1 of 4 stars; one submission).

Conditions:
Primary ciliary dyskinesia. Also called: Ciliary dyskinesia. Identifiers: Orphanet 244, MedGen C0008780, MONDO:0016575, HP:0012265.

gnomAD v4.1: 211 of 1,613,680 alleles (0.013%); highest among the groups gnomAD compares: Admixed American, 0.057%; no homozygotes.

Submission:

Department of Human Genetics, Hannover Medical School
Classification: Uncertain significance for Primary Ciliary Dyskinesia. Last evaluated: 2026-04-01. Review status: criteria provided, single submitter. Criteria: ACMG Guidelines, 2015. Collection method: research. Allele origin: germline. Affected: no.
Comment: Classification performed by HerediClassify using the following criteria:['PM2_supporting: Variant occures does not occur as homozygous in gnomAD.', 'PVS1_protein_strong: Transcript ENST00000392679 is not predicted to undergo NMD. Protein length change of 0.8823529411764706 observed.']

NM_001318777.2(TIRAP):c.79C>T (p.Gln27Ter)

Gene: TIRAP (TIR domain containing adaptor protein; plus strand). Cytogenetic location: 11q24.2.
Variant type: single nucleotide variant.
Coding change: c.79C>T on transcript NM_001318777.2 (MANE Select); coding-DNA position 79, C replaced by T.
Protein change: p.Gln27Ter; replaces glutamine 27 with a stop codon.
Molecular consequence: nonsense.
Genome position (GRCh38, 1-based): chr11:126,292,488, C>T. VCF-style: chr11-126292488-C-T. GRCh37 (hg19) VCF-style: chr11-126162383-C-T.
Other names: c.79C>T, p.Gln27Ter (NM_001039661.2, NM_001318776.2, NM_148910.3); short protein forms Q27*.
Identifiers: ClinVar variation 4880083 (VCV004880083.1).
Genomic context (GRCh38, chr11:126,292,488, plus strand): 5'-AGAGGGCACCTGGTAACACACAGGCCTGAGCAGTGTTTCTCCCCCACAGACTGGTTCAGG[C>T]AGACCCTGCTGAAGAAGCCCAAGAAGAGGCCCAACTCCCCAGAAAGCACCTCCAGCGATG-3'